The following is an entry in ClinVar:

NM_006236.3(POU3F3):c.707C>G (p.Ala236Gly)

Gene: POU3F3 (POU class 3 homeobox 3; plus strand). Cytogenetic location: 2q12.1.
Variant type: single nucleotide variant.
Coding change: c.707C>G on transcript NM_006236.3 (MANE Select); coding-DNA position 707, C replaced by G.
Protein change: p.Ala236Gly; replaces alanine 236 with glycine.
Molecular consequence: missense variant.
Genome position (GRCh38, 1-based): chr2:104,856,217, C>G. VCF-style: chr2-104856217-C-G. GRCh37 (hg19) VCF-style: chr2-105472675-C-G.
Other names: short protein forms A236G.
Identifiers: ClinVar variation 3896003 (VCV003896003.1).
Genomic context (GRCh38, chr2:104,856,217, plus strand): 5'-CGCCGCAGAGTCTGCTCTACTCGCAGCCCGGAGGCTTCACGGTGAACGGCATGCTGAGCG[C>G]GCCACCGGGGCCCGGCGGCGGCGGCGGCGGCGCGGGCGGTGGAGCCCAGAGCTTGGTGCA-3'
Protein context (NP_006227.1, residues 226-246): GGFTVNGMLS[Ala236Gly]PPGPGGGGGG

ClinVar aggregate classification (germline): Uncertain significance (1 of 4 stars; one submission).

gnomAD v4.1: 11 of 1,267,754 alleles (0.00087%); highest among the groups gnomAD compares: Admixed American, 0.0086%; no homozygotes.

Submission:

Women's Health and Genetics/Laboratory Corporation of America, LabCorp
Classification: Uncertain significance. Last evaluated: 2025-03-31. Review status: criteria provided, single submitter. Criteria: LabCorp Variant Classification Summary - May 2015. Collection method: clinical testing. Allele origin: germline.
Comment: Variant summary: POU3F3 c.707C>G (p.Ala236Gly) results in a non-conservative amino acid change in the encoded protein sequence. Four of five in-silico tools predict a benign effect of the variant on protein function. The variant was absent in 1016 control chromosomes. The available data on variant occurrences in the general population are insufficient to allow any conclusion about variant significance. To our knowledge, no occurrence of c.707C>G in individuals affected with Snijders Blok-Fisher Syndrome and no experimental evidence demonstrating its impact on protein function have been reported. No submitters have cited clinical-significance assessments for this variant to ClinVar. Based on the evidence outlined above, the variant was classified as uncertain significance.